The following is an entry in ClinVar:

ClinVar aggregate classification (germline): Conflicting classifications of pathogenicity. Review status: criteria provided, conflicting classifications (1 of 4 stars). 8 submissions from 8 submitters: Uncertain significance (1); Benign (1); Likely benign (5). 1 of the submissions does not count toward it. Last evaluated 2025-12-21.

Conditions:
CHKB-related disorder. Also called: CHKB-related condition.
Megaconial type congenital muscular dystrophy (MDCMC). Also called: MUSCULAR DYSTROPHY, CONGENITAL, WITH MITOCHONDRIAL STRUCTURAL ABNORMALITIES; CHKB-Related Muscular Dystrophy; CHKB-Related Muscle Diseases. Identifiers: Orphanet 280671, MedGen C1865233, MONDO:0011246, OMIM 602541.

Allele frequency attached by ClinVar (database versions not stated): TOPMed 0.00077; gnomAD 0.00084 and 0.00088; ESP Exome Variant Server 0.00092; gnomAD exomes 0.00094 and 0.00114; ExAC 0.00115.

Submissions (8):

Labcorp Genetics (formerly Invitae), Labcorp
Classification: Benign for Megaconial type congenital muscular dystrophy. Last evaluated: 2025-12-21. Review status: criteria provided, single submitter. Criteria: Invitae Variant Classification Sherloc (09022015). Collection method: clinical testing. Allele origin: germline.

Mayo Clinic Laboratories, Mayo Clinic
Classification: Likely benign. Last evaluated: 2025-07-02. Review status: criteria provided, single submitter. Criteria: ACMG Guidelines, 2015. Collection method: clinical testing. Allele origin: germline. Observed: 1 variant allele.
Comment: BS1, BP4_moderate

Blueprint Genetics
Classification: Likely benign. Last evaluated: 2024-10-25. Review status: criteria provided, single submitter. Criteria: ACMG Guidelines, 2015. Collection method: clinical testing. Allele origin: germline.

CeGaT Center for Human Genetics Tuebingen
Classification: Likely benign. Last evaluated: 2023-09-01. Review status: criteria provided, single submitter. Criteria: CeGaT Center For Human Genetics Tuebingen Variant Classification Criteria Version 2. Collection method: clinical testing. Allele origin: germline. Affected: yes. Observed: 2 variant alleles.
Comment: CHKB: BP4

GeneDx
Classification: Likely benign. Last evaluated: 2020-09-03. Review status: criteria provided, single submitter. Criteria: GeneDx Variant Classification Process June 2021. Collection method: clinical testing. Allele origin: germline. Affected: yes.

Illumina Laboratory Services, Illumina
Classification: Uncertain significance for Megaconial type congenital muscular dystrophy. Last evaluated: 2018-01-13. Review status: criteria provided, single submitter. Criteria: ICSL Variant Classification Criteria 13 December 2019. Collection method: clinical testing. Allele origin: germline.

Genetic Services Laboratory, University of Chicago
Classification: Likely benign. Last evaluated: 2017-11-07. Review status: criteria provided, single submitter. Criteria: ACMG Guidelines, 2015. Collection method: clinical testing. Allele origin: germline. Affected: no.

PreventionGenetics, part of Exact Sciences
Classification: Likely benign for CHKB-related condition. Last evaluated: 2019-06-07. Review status: no assertion criteria provided. Collection method: clinical testing. Allele origin: germline. Not counted in ClinVar's aggregate classification.
Comment: This variant is classified as likely benign based on ACMG/AMP sequence variant interpretation guidelines (Richards et al. 2015 PMID: 25741868, with internal and published modifications).

NM_005198.5(CHKB):c.670A>C (p.Asn224His)

Genes: CHKB (choline kinase beta; minus strand), CHKB-CPT1B (CHKB-CPT1B readthrough (NMD candidate); minus strand). Cytogenetic location: 22q13.33.
Variant type: single nucleotide variant.
Coding change: c.670A>C on transcript NM_005198.5 (MANE Select); coding-DNA position 670, A replaced by C.
Protein change: p.Asn224His; replaces asparagine 224 with histidine.
Molecular consequence: missense variant. On other transcripts: non-coding transcript variant (1).
Genome position (GRCh38, 1-based): chr22:50,580,572, T>G on the plus strand (A>C on the coding strand, the complement: CHKB is on the minus strand). VCF-style: chr22-50580572-T-G. GRCh37 (hg19) VCF-style: chr22-51019001-T-G.
Other names: p.Asn224His; short protein forms N224H.
Identifiers: ClinVar variation 259661 (VCV000259661.56), dbSNP rs149858290, ClinGen allele CA10323708.
Genomic context (GRCh38, chr22:50,580,572, plus strand): 5'-ACTACTGGAAGGGCGGACACCATTACCATTAGCCTTGTCCTGCCTGCCCTCACCTGAGGT[T>G]GCCCATCTCATCCTTCAGGCTGTACATCTCCAGCAGGTTCATCTCAGGGAGGCCAGTTGG-3'
Protein context (NP_005189.2, residues 214-234): EMYSLKDEMG[Asn224His]LRKLLESTPS